The following is an entry in ClinVar:

NM_002878.4(RAD51D):c.69C>T (p.His23=)

Genes: RAD51L3-RFFL (RAD51L3-RFFL readthrough; minus strand), RAD51D (RAD51 paralog D; minus strand). Cytogenetic location: 17q12.
Variant type: single nucleotide variant.
Coding change: c.69C>T on transcript NM_002878.4 (MANE Select); coding-DNA position 69, C replaced by T.
Protein change: p.His23=; no amino-acid change (histidine 23 retained).
Molecular consequence: synonymous variant. On other transcripts: non-coding transcript variant (2).
Genome position (GRCh38, 1-based): chr17:35,119,545, G>A on the plus strand (C>T on the coding strand, the complement: RAD51D is on the minus strand). VCF-style: chr17-35119545-G-A. GRCh37 (hg19) VCF-style: chr17-33446564-G-A.
Other names: c.69C>T, p.His23= (NM_001142571.2, NM_133629.3).
Identifiers: ClinVar variation 826759 (VCV000826759.17), dbSNP rs1597878540, ClinGen allele CA499732496.

ClinVar aggregate classification (germline): Benign/Likely benign. Review status: criteria provided, multiple submitters, no conflicts (2 of 4 stars). 5 submissions from 5 submitters: Benign (1); Likely benign (4). Last evaluated 2025-08-18.

Conditions:
Hereditary cancer-predisposing syndrome. Also called: Neoplastic Syndromes, Hereditary; Tumor predisposition; Hereditary neoplastic syndrome; Hereditary Cancer Syndrome. Identifiers: Orphanet 140162, MedGen C0027672, MeSH D009386, MONDO:0015356.
Breast-ovarian cancer, familial, susceptibility to, 4. Identifiers: Orphanet 145, MedGen C3280345, MONDO:0013669, OMIM 614291.

Allele frequency attached by ClinVar (database versions not stated): TOPMed below 0.00001.
gnomAD v4.1: 8 of 1,612,438 alleles (0.0005%); highest among the groups gnomAD compares: Non-Finnish European, 0.00068%; no homozygotes.

Submissions (5):

Labcorp Genetics (formerly Invitae), Labcorp
Classification: Likely benign for Breast-ovarian cancer, familial, susceptibility to, 4. Last evaluated: 2025-08-18. Review status: criteria provided, single submitter. Criteria: Invitae Variant Classification Sherloc (09022015). Collection method: clinical testing. Allele origin: germline.

Myriad Genetics, Inc.
Classification: Benign for Breast-ovarian cancer, familial, susceptibility to, 4. Last evaluated: 2025-02-20. Review status: criteria provided, single submitter. Criteria: Myriad Autosomal Dominant, Autosomal Recessive and X-Linked Classification Criteria (2023). Collection method: clinical testing. Allele origin: unknown.
Comment: This variant is considered benign. This variant is a silent/synonymous amino acid change and it is not expected to impact splicing.

Sema4
Classification: Likely benign for Hereditary cancer-predisposing syndrome. Last evaluated: 2021-12-07. Review status: criteria provided, single submitter. Criteria: Sema4 Curation Guidelines. Collection method: curation. Allele origin: germline.

Ambry Genetics
Classification: Likely benign for Hereditary cancer-predisposing syndrome. Last evaluated: 2019-07-25. Review status: criteria provided, single submitter. Criteria: Ambry Variant Classification Scheme 2023. Collection method: clinical testing. Allele origin: germline.

Color Diagnostics, LLC DBA Color Health
Classification: Likely benign for Hereditary cancer-predisposing syndrome. Last evaluated: 2019-07-02. Review status: criteria provided, single submitter. Criteria: ACMG Guidelines, 2015. Collection method: clinical testing. Allele origin: germline.